The following is an entry in ClinVar:

ClinVar aggregate classification (germline): Likely benign. Review status: criteria provided, single submitter (1 of 4 stars). 2 submissions from 2 submitters: Likely benign (1). 1 of the submissions does not count toward it. Last evaluated 2025-01-29.

Conditions:
PCNT-related disorder. Also called: PCNT-related condition.

Allele frequency attached by ClinVar (database versions not stated): gnomAD exomes 0.00002; ExAC 0.00003; gnomAD 0.00003; TOPMed 0.00003.
gnomAD v4.1: 30 of 1,612,232 alleles (0.0019%); highest among the groups gnomAD compares: Middle Eastern, 0.017%; 1 homozygote.

Submissions (2):

Labcorp Genetics (formerly Invitae), Labcorp
Classification: Likely benign. Last evaluated: 2025-01-29. Review status: criteria provided, single submitter. Criteria: Invitae Variant Classification Sherloc (09022015). Collection method: clinical testing. Allele origin: germline.

PreventionGenetics, part of Exact Sciences
Classification: Likely benign for PCNT-related condition. Last evaluated: 2021-09-20. Review status: no assertion criteria provided. Collection method: clinical testing. Allele origin: germline. Not counted in ClinVar's aggregate classification.
Comment: This variant is classified as likely benign based on ACMG/AMP sequence variant interpretation guidelines (Richards et al. 2015 PMID: 25741868, with internal and published modifications).

NM_006031.6(PCNT):c.2544C>T (p.Asp848=)

Gene: PCNT (pericentrin; plus strand). Cytogenetic location: 21q22.3.
Variant type: single nucleotide variant.
Coding change: c.2544C>T on transcript NM_006031.6 (MANE Select); coding-DNA position 2544, C replaced by T.
Protein change: p.Asp848=; no amino-acid change (aspartic acid 848 retained).
Molecular consequence: synonymous variant.
Genome position (GRCh38, 1-based): chr21:46,363,869, C>T. VCF-style: chr21-46363869-C-T. GRCh37 (hg19) VCF-style: chr21-47783784-C-T.
Other names: c.2544C>T (NM_006031.5); c.2190C>T, p.Asp730= (NM_001315529.2).
Identifiers: ClinVar variation 3016671 (VCV003016671.5), dbSNP rs770567674, ClinGen allele CA10079000.